The following is an entry in ClinVar:

ClinVar aggregate classification (germline): Likely pathogenic (1 of 4 stars; one submission).

Conditions:
Hereditary spastic paraplegia 26 (SPG26). Also called: SPASTIC PARAPLEGIA 26, AUTOSOMAL RECESSIVE. Identifiers: Orphanet 101006, MedGen C1836632, MONDO:0012213, OMIM 609195.

Submission:

Genetic Foundation of Khorasan Razavi (GFKR)
Classification: Likely pathogenic for Hereditary spastic paraplegia 26. Last evaluated: 2023-04-13. Review status: criteria provided, single submitter. Criteria: ACMG Guidelines, 2015. Collection method: clinical testing. Allele origin: inherited. Affected: yes.
Comment: This null variant (p.Asp433Serfs*50) is predicted to result in loss of function, which is a well-established disease mechanism for this gene. The variant is absent from population databases, consistent with expectations for a rare disease-causing allele. Taken together, these findings support a pathogenic classification according to ACMG/AMP guidelines.

NM_001478.5(B4GALNT1):c.1293_1308del (p.Asp433fs)

Gene: B4GALNT1 (beta-1,4-N-acetyl-galactosaminyltransferase 1; minus strand). Cytogenetic location: 12q13.3.
Variant type: Deletion.
Coding change: c.1293_1308del on transcript NM_001478.5 (MANE Select); coding-DNA positions 1293 to 1308, 16 bases deleted (CACCGACGGCGTGGTT).
Protein change: p.Asp433fs; shifts the reading frame from aspartic acid 433.
Molecular consequence: frameshift variant.
Genome position (GRCh38, 1-based): chr12:57,627,694-57,627,709, AACCACGCCGTCGGTG deleted on the plus strand (CACCGACGGCGTGGTT on the coding strand, the reverse complement: B4GALNT1 is on the minus strand); deleting any 16 consecutive bases within chr12:57,627,694-57,627,710 gives the same sequence; the c. name uses the placement nearest the transcript's 3' end. VCF-style (leftmost placement, unchanged base first): chr12-57627693-TAACCACGCCGTCGGTG-T. GRCh37 (hg19) VCF-style: chr12-58021476-TAACCACGCCGTCGGTG-T.
Other names: c.1128_1143del, p.Asp378fs (NM_001276468.2, NM_001413978.1); c.1461_1476del, p.Asp489fs (NM_001413967.1); c.1428_1443del, p.Asp478fs (NM_001413968.1, NM_001413969.1); c.1326_1341del, p.Asp444fs (NM_001413970.1, NM_001413971.1, NM_001413972.1); c.1293_1308del, p.Asp433fs (NM_001413973.1, NM_001413974.1); c.1194_1209del, p.Asp400fs (NM_001413977.1); c.441_456del, p.Asp149fs (NM_001413981.1); c.339_354del, p.Asp115fs (NM_001413982.1); and 1 more; short protein forms D104fs, D115fs, D149fs, D378fs, D400fs, D433fs, D444fs, D478fs.
Identifiers: ClinVar variation 4536626 (VCV004536626.1).
Genomic context (GRCh38, chr12:57,627,693, plus strand): 5'-GGCTGAGGCGGGGGTCGAAACCGACCTCGCGCACCTTGTCAGTCCGCGCCAGGAAGAAGT[TAACCACGCCGTCGGTG>T]ACCACGCAGCCTGGGAAGCCGACGAGCTCGTGGTGGAAGCCGCGCCTTTGCCGGAGGCAG-3'